The following is an entry in ClinVar:

NM_001111067.4(ACVR1):c.1460C>T (p.Thr487Ile)

Gene: ACVR1 (activin A receptor type 1; minus strand). Cytogenetic location: 2q24.1.
Variant type: single nucleotide variant.
Coding change: c.1460C>T on transcript NM_001111067.4 (MANE Select); coding-DNA position 1460, C replaced by T.
Protein change: p.Thr487Ile; replaces threonine 487 with isoleucine.
Molecular consequence: missense variant.
Genome position (GRCh38, 1-based): chr2:157,737,601, G>A on the plus strand (C>T on the coding strand, the complement: ACVR1 is on the minus strand). VCF-style: chr2-157737601-G-A. GRCh37 (hg19) VCF-style: chr2-158594113-G-A.
Other names: c.1460C>T, p.Thr487Ile (NM_001105.5, NM_001347663.1, NM_001347664.1 and 3 more transcripts); short protein forms T487I.
Identifiers: ClinVar variation 3725584 (VCV003725584.2).
Genomic context (GRCh38, chr2:157,737,601, plus strand): 5'-GTTTTCAATTTGTCGAGGGAATTATCAATTTTGGTCAAAGTCTTTTTGATACGCAGTGCT[G>A]TGAGTCTTGCGGATGGATTTTGATACCAGCATTCTTTCATTAGCTTGGCCAGAGAGGTTA-3'
Protein context (NP_001104537.1, residues 477-497): CWYQNPSARL[Thr487Ile]ALRIKKTLTK

ClinVar aggregate classification (germline): Uncertain significance (1 of 4 stars; one submission).

gnomAD v4.1: 1 of 1,614,056 alleles (0.000062%); highest among the groups gnomAD compares: Non-Finnish European, 0.000085%; no homozygotes.

Submission:

Labcorp Genetics (formerly Invitae), Labcorp
Classification: Uncertain significance. Last evaluated: 2024-11-19. Review status: criteria provided, single submitter. Criteria: Invitae Variant Classification Sherloc (09022015). Collection method: clinical testing. Allele origin: germline.
Comment: This sequence change replaces threonine, which is neutral and polar, with isoleucine, which is neutral and non-polar, at codon 487 of the ACVR1 protein (p.Thr487Ile). This variant is not present in population databases (gnomAD no frequency). This variant has not been reported in the literature in individuals affected with ACVR1-related conditions. An algorithm developed to predict the effect of missense changes on protein structure and function (PolyPhen-2) suggests that this variant is likely to be disruptive. In summary, the available evidence is currently insufficient to determine the role of this variant in disease. Therefore, it has been classified as a Variant of Uncertain Significance.